The following is an entry in ClinVar:

ClinVar aggregate classification (germline): Uncertain significance (1 of 4 stars; one submission).

Conditions:
Supravalvar aortic stenosis (SVAS). Also called: Supravalvar aortic stenosis, Eisenberg type. Identifiers: Orphanet 3193, MedGen C0003499, MONDO:0008504, OMIM 185500, HP:0004381.

Submission:

Labcorp Genetics (formerly Invitae), Labcorp
Classification: Uncertain significance for Supravalvar aortic stenosis. Last evaluated: 2022-05-30. Review status: criteria provided, single submitter. Criteria: Invitae Variant Classification Sherloc (09022015). Collection method: clinical testing. Allele origin: germline.
Comment: This variant results in a copy number gain of the genomic region encompassing exon(s) 1-27 of the ELN gene. This region includes the initiator codon of the gene. This copy number gain extends beyond the assayed region for this gene and therefore may encompass additional genes. As the precise location of this event is unknown, it may be in tandem or it may be located elsewhere in the genome. This variant has not been reported in the literature in individuals affected with ELN-related conditions. Experimental studies and prediction algorithms are not available or were not evaluated, and the functional significance of this variant is currently unknown. In summary, the available evidence is currently insufficient to determine the role of this variant in disease. Therefore, it has been classified as a Variant of Uncertain Significance.

NC_000007.13:g.(?_73442518)_(73475489_?)dup

Gene: ELN (elastin; plus strand). Cytogenetic location: 7q11.23.
Variant type: Duplication.
Identifiers: ClinVar variation 2424093 (VCV002424093.4).